The following is an entry in ClinVar:

ClinVar aggregate classification (germline): Uncertain significance (1 of 4 stars; one submission).

Conditions:
Glutathione synthetase deficiency with 5-oxoprolinuria. Also called: 5-OXOPROLINURIA DUE TO GLUTATHIONE SYNTHETASE DEFICIENCY; Reduced glutathione synthetase level; PYROGLUTAMIC ACIDURIA; 5-Oxoprolinuria; Gluthathione synthetase deficiency. Identifiers: Orphanet 289846, MedGen C0398746, MONDO:0009947, OMIM 266130, HP:0003343.

Allele frequency attached by ClinVar (database versions not stated): ExAC 0.00001; gnomAD 0.00001; gnomAD exomes 0.00001 and 0.00002; TOPMed 0.00003.

Submission:

Labcorp Genetics (formerly Invitae), Labcorp
Classification: Uncertain significance for Glutathione synthetase deficiency with 5-oxoprolinuria. Last evaluated: 2025-07-01. Review status: criteria provided, single submitter. Criteria: Invitae Variant Classification Sherloc (09022015). Collection method: clinical testing. Allele origin: germline.
Comment: This sequence change replaces proline, which is neutral and non-polar, with leucine, which is neutral and non-polar, at codon 416 of the GSS protein (p.Pro416Leu). This variant is present in population databases (rs751502937, gnomAD 0.002%). This variant has not been reported in the literature in individuals affected with GSS-related conditions. ClinVar contains an entry for this variant (Variation ID: 1383741). Invitae Evidence Modeling of protein sequence and biophysical properties (such as structural, functional, and spatial information, amino acid conservation, physicochemical variation, residue mobility, and thermodynamic stability) indicates that this missense variant is not expected to disrupt GSS protein function with a negative predictive value of 80%. In summary, the available evidence is currently insufficient to determine the role of this variant in disease. Therefore, it has been classified as a Variant of Uncertain Significance.

NM_000178.4(GSS):c.1247C>T (p.Pro416Leu)

Gene: GSS (glutathione synthetase; minus strand). Cytogenetic location: 20q11.22.
Variant type: single nucleotide variant.
Coding change: c.1247C>T on transcript NM_000178.4 (MANE Select); coding-DNA position 1247, C replaced by T.
Protein change: p.Pro416Leu; replaces proline 416 with leucine.
Molecular consequence: missense variant.
Genome position (GRCh38, 1-based): chr20:34,929,455, G>A on the plus strand (C>T on the coding strand, the complement: GSS is on the minus strand). VCF-style: chr20-34929455-G-A. GRCh37 (hg19) VCF-style: chr20-33517258-G-A.
Other names: c.1247C>T, p.Pro416Leu (NM_001322494.1, NM_001322495.1); short protein forms P416L.
Identifiers: ClinVar variation 1383741 (VCV001383741.6), dbSNP rs751502937, ClinGen allele CA9825833.
Genomic context (GRCh38, chr20:34,929,455, plus strand): 5'-GCTCACCTGACATAGACCCCAAAGATGCCCAGCTCTGAAATGCACTGGACCACTCGGGCA[G>A]GGCTGCCAGGCCGTAGCAGGCAATTCTCAAAAGGCTCAGGTTCGATCTTCTCCATGAGGA-3'
Protein context (NP_000169.1, residues 406-426): FENCLLRPGS[Pro416Leu]ARVVQCISEL